The following is an entry in ClinVar:

NM_000726.5(CACNB4):c.969A>G (p.Ile323Met)

Gene: CACNB4 (calcium voltage-gated channel auxiliary subunit beta 4; minus strand). Cytogenetic location: 2q23.3.
Variant type: single nucleotide variant.
Coding change: c.969A>G on transcript NM_000726.5 (MANE Select); coding-DNA position 969, A replaced by G.
Protein change: p.Ile323Met; replaces isoleucine 323 with methionine.
Molecular consequence: missense variant.
Genome position (GRCh38, 1-based): chr2:151,855,275, T>C on the plus strand (A>G on the coding strand, the complement: CACNB4 is on the minus strand). VCF-style: chr2-151855275-T-C. GRCh37 (hg19) VCF-style: chr2-152711789-T-C.
Other names: c.915A>G, p.Ile305Met (NM_001005746.4); c.867A>G, p.Ile289Met (NM_001005747.4); c.969A>G, p.Ile323Met (NM_001145798.3); c.828A>G, p.Ile276Met (NM_001320722.3, NM_001330118.2); c.726A>G, p.Ile242Met (NM_001330113.2); c.315A>G, p.Ile105Met (NM_001330114.2); c.678A>G, p.Ile226Met (NM_001330115.2); c.639A>G, p.Ile213Met (NM_001330116.2); and 1 more; short protein forms I105M, I137M, I213M, I226M, I242M, I276M, I289M, I305M.
Identifiers: ClinVar variation 2684122 (VCV002684122.3), dbSNP rs769094547, ClinGen allele CA1912432.

ClinVar aggregate classification (germline): Uncertain significance. Review status: criteria provided, multiple submitters, no conflicts (2 of 4 stars). 2 submissions from 2 submitters: Uncertain significance (2). Last evaluated 2024-11-21.

Allele frequency attached by ClinVar (database versions not stated): ExAC 0.00001; gnomAD 0.00001; TOPMed 0.00002; gnomAD exomes 0.00004.
gnomAD v4.1: 57 of 1,587,342 alleles (0.0036%); highest among the groups gnomAD compares: Non-Finnish European, 0.0047%; no homozygotes.

Submissions (2):

Athena Diagnostics
Classification: Uncertain significance. Last evaluated: 2024-11-21. Review status: criteria provided, single submitter. Criteria: Athena Diagnostics Criteria. Collection method: clinical testing. Allele origin: unknown.
Comment: Available data are insufficient to determine the clinical significance of the variant at this time. The frequency of this variant in the general population is uninformative in assessment of its pathogenicity. Polyphen and MutationTaster predict this amino acid change may be benign.

Ambry Genetics
Classification: Uncertain significance. Last evaluated: 2024-04-15. Review status: criteria provided, single submitter. Criteria: Ambry Variant Classification Scheme 2023. Collection method: clinical testing. Allele origin: germline.